The following is an entry in ClinVar:

NM_001943.5(DSG2):c.106A>G (p.Lys36Glu)

Gene: DSG2 (desmoglein 2; plus strand). Cytogenetic location: 18q12.1.
Variant type: single nucleotide variant.
Coding change: c.106A>G on transcript NM_001943.5 (MANE Select); coding-DNA position 106, A replaced by G.
Protein change: p.Lys36Glu; replaces lysine 36 with glutamic acid.
Molecular consequence: missense variant.
Genome position (GRCh38, 1-based): chr18:31,519,827, A>G. VCF-style: chr18-31519827-A-G. GRCh37 (hg19) VCF-style: chr18-29099790-A-G.
Other names: short protein forms K36E.
Identifiers: ClinVar variation 919835 (VCV000919835.10), dbSNP rs1441795357, ClinGen allele CA402130637.
Genomic context (GRCh38, chr18:31,519,827, plus strand): 5'-CACATAATAAATTTTGGCAATATTCTATTGTTATAGGTCTTAAGCACAAGAAATGAAAAT[A>G]AGCTGCTTCCTAAACATCCTCATTTAGTGCGGCAAAAGCGCGCCTGGATCACCGCCCCCG-3'
Protein context (NP_001934.2, residues 26-46): LQVLSTRNEN[Lys36Glu]LLPKHPHLVR

ClinVar aggregate classification (germline): Uncertain significance. Review status: criteria provided, multiple submitters, no conflicts (2 of 4 stars). 4 submissions from 4 submitters: Uncertain significance (4). Last evaluated 2025-01-13.

Conditions:
Cardiovascular phenotype. Identifiers: MedGen CN230736.
Arrhythmogenic right ventricular cardiomyopathy (ARVD). Also called: Arrhythmogenic cardiomyopathy; Cardiomyopathy, ARVC; Arrhythmogenic right ventricular dysplasia; Arrhythmogenic Right Ventricular Cardiomyopathy (ARVC). Identifiers: Orphanet 247, MedGen C0349788, MeSH D019571, MONDO:0016587. Disease mechanism: loss of function. Inheritance: Various modes of inheritance.
Cardiomyopathy (CMYO). Also called: Cardiomyopathies. Identifiers: Orphanet 167848, MedGen C0878544, MONDO:0004994, HP:0001638. Inheritance: Various modes of inheritance.

Allele frequency attached by ClinVar (database versions not stated): gnomAD exomes below 0.00001; gnomAD 0.00001.

Submissions (4):

GeneDx
Classification: Uncertain significance. Last evaluated: 2025-01-13. Review status: criteria provided, single submitter. Criteria: GeneDx Variant Classification Process June 2021. Collection method: clinical testing. Allele origin: germline. Affected: yes.
Comment: Not observed at significant frequency in large population cohorts (gnomAD); In silico analysis indicates that this missense variant does not alter protein structure/function; Has not been previously published as pathogenic or benign to our knowledge

All of Us Research Program, National Institutes of Health
Classification: Uncertain significance for Arrhythmogenic right ventricular cardiomyopathy. Last evaluated: 2024-06-17. Review status: criteria provided, single submitter. Criteria: ACMG Guidelines, 2015. Collection method: clinical testing. Allele origin: germline. Inheritance: Autosomal dominant inheritance. Observed: 3 variant alleles, 3 heterozygotes.
Comment: This missense variant replaces lysine with glutamic acid at codon 36 of the DSG2 protein. Computational prediction tools and conservation analyses suggest that this variant may not impact the protein function. Computational splicing tools suggest that this variant may not impact RNA splicing. To our knowledge, functional assays have not been performed for this variant nor has this variant been reported in individuals affected with cardiovascular disorders in the literature. This variant has been identified in 1/249456 chromosomes in the general population by the Genome Aggregation Database (gnomAD). Available evidence is insufficient to determine the role of this variant in disease conclusively. Therefore, this variant is classified as a Variant of Uncertain Significance.

This study involves interpretation of variants in research participants for the purpose of population health screening. Participant phenotype was not available at the time of variant classification. Additional details can be found in publication PMID: 35346344, PMCID: PMC8962531

Color Diagnostics, LLC DBA Color Health
Classification: Uncertain significance for Cardiomyopathy. Last evaluated: 2024-03-07. Review status: criteria provided, single submitter. Criteria: ACMG Guidelines, 2015. Collection method: clinical testing. Allele origin: germline.
Comment: This missense variant replaces lysine with glutamic acid at codon 36 of the DSG2 protein. Computational prediction suggests that this variant may not impact protein structure and function (internally defined REVEL score threshold <= 0.5, PMID: 27666373). To our knowledge, functional studies have not been reported for this variant. This variant has not been reported in individuals affected with DSG2-related disorders in the literature. This variant has been identified in 1/249456 chromosomes in the general population by the Genome Aggregation Database (gnomAD). The available evidence is insufficient to determine the role of this variant in disease conclusively. Therefore, this variant is classified as a Variant of Uncertain Significance.

Ambry Genetics
Classification: Uncertain significance for Cardiovascular phenotype. Last evaluated: 2021-03-02. Review status: criteria provided, single submitter. Criteria: Ambry Variant Classification Scheme 2023. Collection method: clinical testing. Allele origin: germline.
Comment: The p.K36E variant (also known as c.106A>G), located in coding exon 3 of the DSG2 gene, results from an A to G substitution at nucleotide position 106. The lysine at codon 36 is replaced by glutamic acid, an amino acid with similar properties. This amino acid position is not well conserved in available vertebrate species, and glutamic acid is the reference amino acid in other vertebrate species. In addition, this alteration is predicted to be tolerated by in silico analysis. Since supporting evidence is limited at this time, the clinical significance of this alteration remains unclear.